The following is an entry in ClinVar:

NM_145691.4(ATPAF2):c.441C>T (p.Pro147=)

Gene: ATPAF2 (ATP synthase mitochondrial F1 complex assembly factor 2; minus strand). Cytogenetic location: 17p11.2.
Variant type: single nucleotide variant.
Coding change: c.441C>T on transcript NM_145691.4 (MANE Select); coding-DNA position 441, C replaced by T.
Protein change: p.Pro147=; no amino-acid change (proline 147 retained).
Molecular consequence: synonymous variant.
Genome position (GRCh38, 1-based): chr17:18,024,686, G>A on the plus strand (C>T on the coding strand, the complement: ATPAF2 is on the minus strand). VCF-style: chr17-18024686-G-A. GRCh37 (hg19) VCF-style: chr17-17928000-G-A.
Other names: c.441C>T (NM_145691.3).
Identifiers: ClinVar variation 2901817 (VCV002901817.5), dbSNP rs138666486, ClinGen allele CA8421862.
Genomic context (GRCh38, chr17:18,024,686, plus strand): 5'-TTTCTCAGCCCATTCGATGATTGGATCCCACTCATTCCTTTGAAGTTCCACTAATGTCTC[G>A]GGCTCCTCCACCCTGTAGCTAATTCATTGTAAAAATAACCTTCATTAATAAAAAAGTACA-3'
Protein context (NP_663729.1, residues 137-157): TDTICYRVEE[Pro147=]ETLVELQRNE

ClinVar aggregate classification (germline): Likely benign. Review status: criteria provided, single submitter (1 of 4 stars). 2 submissions from 2 submitters: Likely benign (1). 1 of the submissions does not count toward it. Last evaluated 2023-08-29.

Conditions:
ATPAF2-related disorder. Also called: ATPAF2-related condition.

Allele frequency attached by ClinVar (database versions not stated): gnomAD 0.00003; TOPMed 0.00003; ExAC 0.00004; ESP Exome Variant Server 0.00008; gnomAD exomes 0.00017.

Submissions (2):

Labcorp Genetics (formerly Invitae), Labcorp
Classification: Likely benign. Last evaluated: 2023-08-29. Review status: criteria provided, single submitter. Criteria: Invitae Variant Classification Sherloc (09022015). Collection method: clinical testing. Allele origin: germline.

PreventionGenetics, part of Exact Sciences
Classification: Likely benign for ATPAF2-related condition. Last evaluated: 2020-02-17. Review status: no assertion criteria provided. Collection method: clinical testing. Allele origin: germline. Not counted in ClinVar's aggregate classification.
Comment: This variant is classified as likely benign based on ACMG/AMP sequence variant interpretation guidelines (Richards et al. 2015 PMID: 25741868, with internal and published modifications).